The following is an entry in ClinVar:

NM_001036.6(RYR3):c.11866C>A (p.Gln3956Lys)

Gene: RYR3 (ryanodine receptor 3; plus strand). Cytogenetic location: 15q14.
Variant type: single nucleotide variant.
Coding change: c.11866C>A on transcript NM_001036.6 (MANE Select); coding-DNA position 11866, C replaced by A.
Protein change: p.Gln3956Lys; replaces glutamine 3956 with lysine.
Molecular consequence: missense variant.
Genome position (GRCh38, 1-based): chr15:33,837,846, C>A. VCF-style: chr15-33837846-C-A. GRCh37 (hg19) VCF-style: chr15-34130047-C-A.
Other names: c.11851C>A, p.Gln3951Lys (NM_001243996.4); short protein forms Q3956K, Q3951K.
Identifiers: ClinVar variation 583146 (VCV000583146.10), dbSNP rs992599408, ClinGen allele CA268591957.

ClinVar aggregate classification (germline): Uncertain significance (1 of 4 stars; one submission).

Conditions:
Epileptic encephalopathy. Identifiers: MedGen C0543888, HP:0200134.

Allele frequency attached by ClinVar (database versions not stated): gnomAD exomes below 0.00001; gnomAD 0.00001; TOPMed 0.00003.
gnomAD v4.1: 4 of 1,613,892 alleles (0.00025%); highest among the groups gnomAD compares: African/African-American, 0.0053%; no homozygotes.

Submission:

Labcorp Genetics (formerly Invitae), Labcorp
Classification: Uncertain significance for Epileptic encephalopathy. Last evaluated: 2022-07-26. Review status: criteria provided, single submitter. Criteria: Invitae Variant Classification Sherloc (09022015). Collection method: clinical testing. Allele origin: germline.
Comment: This variant is present in population databases (no rsID available, gnomAD 0.007%). This variant has not been reported in the literature in individuals affected with RYR3-related conditions. ClinVar contains an entry for this variant (Variation ID: 583146). Algorithms developed to predict the effect of missense changes on protein structure and function are either unavailable or do not agree on the potential impact of this missense change (SIFT: "Deleterious"; PolyPhen-2: "Benign"; Align-GVGD: "Class C0"). In summary, the available evidence is currently insufficient to determine the role of this variant in disease. Therefore, it has been classified as a Variant of Uncertain Significance. This sequence change replaces glutamine, which is neutral and polar, with lysine, which is basic and polar, at codon 3956 of the RYR3 protein (p.Gln3956Lys).